The following is an entry in ClinVar:

NM_006766.5(KAT6A):c.989G>A (p.Arg330His)

Gene: KAT6A (lysine acetyltransferase 6A; minus strand). Cytogenetic location: 8p11.21.
Variant type: single nucleotide variant.
Coding change: c.989G>A on transcript NM_006766.5 (MANE Select); coding-DNA position 989, G replaced by A.
Protein change: p.Arg330His; replaces arginine 330 with histidine.
Molecular consequence: missense variant.
Genome position (GRCh38, 1-based): chr8:41,978,696, C>T on the plus strand (G>A on the coding strand, the complement: KAT6A is on the minus strand). VCF-style: chr8-41978696-C-T. GRCh37 (hg19) VCF-style: chr8-41836214-C-T.
Other names: c.989G>A, p.Arg330His (NM_001305878.2); short protein forms R330H.
Identifiers: ClinVar variation 3627160 (VCV003627160.4).
Genomic context (GRCh38, chr8:41,978,696, plus strand): 5'-ACTTACACCGTGTTTTGTTTCTTTAACCTGTTTTTTGGACGTCCTATTGGATTAGTATAG[C>T]GCCGTTTTATCTGTGCTGCCTTCTTTTGTAGAAGTTTTCGTCCTTTTTTCCTAGGTCGAC-3'
Protein context (NP_006757.2, residues 320-340): LQKKAAQIKR[Arg330His]YTNPIGRPKN

ClinVar aggregate classification (germline): Likely benign. Review status: criteria provided, multiple submitters, no conflicts (2 of 4 stars). 2 submissions from 2 submitters: Likely benign (2). Last evaluated 2026-05-01.

Submissions (2):

CeGaT Center for Human Genetics Tuebingen
Classification: Likely benign. Last evaluated: 2026-05-01. Review status: criteria provided, single submitter. Criteria: CeGaT Center For Human Genetics Tuebingen Variant Classification Criteria Version 2. Collection method: clinical testing. Allele origin: germline. Affected: yes. Observed: 1 variant allele.
Comment: KAT6A: PP3, BS1

Labcorp Genetics (formerly Invitae), Labcorp
Classification: Likely benign. Last evaluated: 2024-12-24. Review status: criteria provided, single submitter. Criteria: Invitae Variant Classification Sherloc (09022015). Collection method: clinical testing. Allele origin: germline.